The following is an entry in ClinVar:

NM_001849.4(COL6A2):c.2093_2094delinsTA (p.Ala698Val)

Gene: COL6A2 (collagen type VI alpha 2 chain; plus strand). Cytogenetic location: 21q22.3.
Variant type: Indel.
Coding change: c.2093_2094delinsTA on transcript NM_001849.4 (MANE Select); coding-DNA positions 2093 to 2094, CG replaced by TA.
Protein change: p.Ala698Val; replaces alanine 698 with valine.
Molecular consequence: missense variant.
Genome position (GRCh38, 1-based): chr21:46,125,908-46,125,909, CG replaced by TA. VCF-style: chr21-46125908-CG-TA. GRCh37 (hg19) VCF-style: chr21-47545822-CG-TA.
Other names: c.2093_2094delinsTA, p.Ala698Val (NM_058174.3, NM_058175.3); short protein forms A698V.
Identifiers: ClinVar variation 1991990 (VCV001991990.4), dbSNP rs2517017708, ClinGen allele CA2580098916.

ClinVar aggregate classification (germline): Uncertain significance (1 of 4 stars; one submission).

Conditions:
Bethlem myopathy 1A. Also called: MYOPATHY, BENIGN CONGENITAL, WITH CONTRACTURES; Bethlem myopathy 1; Bethlem Muscular Dystrophy. Identifiers: Orphanet 610, MedGen CN029274, MONDO:0024530, OMIM 158810.

Submission:

Labcorp Genetics (formerly Invitae), Labcorp
Classification: Uncertain significance for Bethlem myopathy 1A. Last evaluated: 2022-09-07. Review status: criteria provided, single submitter. Criteria: Invitae Variant Classification Sherloc (09022015). Collection method: clinical testing. Allele origin: germline.
Comment: Information on the frequency of this variant in the gnomAD database is not available, as this variant may be reported differently in the database. This sequence change replaces alanine, which is neutral and non-polar, with valine, which is neutral and non-polar, at codon 698 of the COL6A2 protein (p.Ala698Val). This missense change has been observed in individual(s) with Bethlem myopathy (PMID: 34167565). In summary, the available evidence is currently insufficient to determine the role of this variant in disease. Therefore, it has been classified as a Variant of Uncertain Significance. Algorithms developed to predict the effect of missense changes on protein structure and function are either unavailable or do not agree on the potential impact of this missense change (SIFT: "Not Available"; PolyPhen-2: "Probably Damaging"; Align-GVGD: "Not Available").

Literature cited by the submitters: PubMed 34167565.